The following is an entry in ClinVar:

NM_003091.4(SNRPB):c.289C>A (p.Leu97Ile)

Gene: SNRPB (small nuclear ribonucleoprotein polypeptides B and B1; minus strand). Cytogenetic location: 20p13.
Variant type: single nucleotide variant.
Coding change: c.289C>A on transcript NM_003091.4 (MANE Select); coding-DNA position 289, C replaced by A.
Protein change: p.Leu97Ile; replaces leucine 97 with isoleucine.
Molecular consequence: missense variant.
Genome position (GRCh38, 1-based): chr20:2,463,878, G>T on the plus strand (C>A on the coding strand, the complement: SNRPB is on the minus strand). VCF-style: chr20-2463878-G-T. GRCh37 (hg19) VCF-style: chr20-2444524-G-T.
Other names: c.289C>A, p.Leu97Ile (NM_198216.2); short protein forms L97I.
Identifiers: ClinVar variation 1464276 (VCV001464276.8), dbSNP rs2085053491, ClinGen allele CA408014600.

ClinVar aggregate classification (germline): Uncertain significance (1 of 4 stars; one submission).

Allele frequency attached by ClinVar (database versions not stated): TOPMed below 0.00001.

Submission:

Labcorp Genetics (formerly Invitae), Labcorp
Classification: Uncertain significance. Last evaluated: 2021-07-13. Review status: criteria provided, single submitter. Criteria: Invitae Variant Classification Sherloc (09022015). Collection method: clinical testing. Allele origin: germline.
Comment: This sequence change replaces leucine with isoleucine at codon 97 of the SNRPB protein (p.Leu97Ile). The leucine residue is moderately conserved and there is a small physicochemical difference between leucine and isoleucine. This variant is not present in population databases (ExAC no frequency). This variant has not been reported in the literature in individuals affected with SNRPB-related conditions. Algorithms developed to predict the effect of missense changes on protein structure and function (SIFT, PolyPhen-2, Align-GVGD) all suggest that this variant is likely to be tolerated. In summary, the available evidence is currently insufficient to determine the role of this variant in disease. Therefore, it has been classified as a Variant of Uncertain Significance.